The following is an entry in ClinVar:

ClinVar aggregate classification (germline): Benign/Likely benign. Review status: criteria provided, multiple submitters, no conflicts (2 of 4 stars). 16 submissions from 16 submitters: Benign (6); Likely benign (9). 1 of the submissions does not count toward it. Last evaluated 2026-02-02.

Conditions:
Classic or attenuated familial adenomatous polyposis. Identifiers: MedGen CN372698, MONDO:0021057.
Hereditary cancer-predisposing syndrome. Also called: Tumor predisposition; Hereditary neoplastic syndrome; Hereditary Cancer Syndrome; Neoplastic Syndromes, Hereditary. Identifiers: Orphanet 140162, MedGen C0027672, MeSH D009386, MONDO:0015356.
Desmoid disease, hereditary (DESMD). Also called: FIBROMATOSIS, FAMILIAL INFILTRATIVE. Identifiers: Orphanet 873, MedGen C1851124, OMIM 135290. Disease mechanism: loss of function.
Familial adenomatous polyposis 1 (FAP1). Also called: POLYPOSIS, ADENOMATOUS INTESTINAL; FAMILIAL ADENOMATOUS POLYPOSIS 1, ATTENUATED. Identifiers: MedGen C2713442, MONDO:0021056, OMIM 175100. Disease mechanism: loss of function.

Allele frequency attached by ClinVar (database versions not stated): TOPMed 0.00014; ESP Exome Variant Server 0.00015; gnomAD 0.00015 and 0.00016; gnomAD exomes 0.00015; ExAC 0.00017.
gnomAD v4.1: 324 of 1,613,948 alleles (0.02%); highest among the groups gnomAD compares: Non-Finnish European, 0.025%; no homozygotes.

Submissions (16):

Labcorp Genetics (formerly Invitae), Labcorp
Classification: Benign for Familial adenomatous polyposis 1. Last evaluated: 2026-02-02. Review status: criteria provided, single submitter. Criteria: Invitae Variant Classification Sherloc (09022015). Collection method: clinical testing. Allele origin: germline.

CeGaT Center for Human Genetics Tuebingen
Classification: Likely benign. Last evaluated: 2025-07-01. Review status: criteria provided, single submitter. Criteria: CeGaT Center For Human Genetics Tuebingen Variant Classification Criteria Version 2. Collection method: clinical testing. Allele origin: germline. Affected: yes. Observed: 2 variant alleles.
Comment: APC: BP4, BP7

Institute for Biomarker Research, Medical Diagnostic Laboratories, L.L.C.
Classification: Likely benign for Hereditary cancer-predisposing syndrome. Last evaluated: 2025-03-05. Review status: criteria provided, single submitter. Criteria: ACMG Guidelines, 2015. Collection method: clinical testing. Allele origin: germline.
Comment: The synonymous variant NM_000038.6(APC):c.6669A>G (p.Ser2223=) has been reported to ClinVar as Benign/Likely benign with a status of (2 stars) criteria provided, multiple submitters, no conflicts (Variation ID 135714 as of 2025-02-06). The p.Ser2223= variant is not predicted to disrupt an existing splice site. The p.Ser2223= variant results in a substitution of a base that is not predicted conserved by GERP++ and PhyloP. For these reasons, this variant has been classified as Likely Benign.

Center for Genomic Medicine, Rigshospitalet, Copenhagen University Hospital
Classification: Likely benign. Last evaluated: 2025-03-04. Review status: criteria provided, single submitter. Criteria: ACMG Guidelines, 2015. Collection method: clinical testing. Allele origin: germline.

Blueprint Genetics
Classification: Likely benign. Last evaluated: 2024-10-03. Review status: criteria provided, single submitter. Criteria: ACMG Guidelines, 2015. Collection method: clinical testing. Allele origin: germline.

Department of Pathology and Laboratory Medicine, Sinai Health System
Classification: Likely benign for Familial adenomatous polyposis 1; Desmoid disease, hereditary. Last evaluated: 2024-04-12. Review status: criteria provided, single submitter. Criteria: ACMG Guidelines, 2015. Collection method: clinical testing. Allele origin: germline. Affected: yes.

All of Us Research Program, National Institutes of Health
Classification: Likely benign for Classic or attenuated familial adenomatous polyposis. Last evaluated: 2024-02-05. Review status: criteria provided, single submitter. Criteria: ACMG Guidelines, 2015. Collection method: clinical testing. Allele origin: germline. Inheritance: Autosomal dominant inheritance. Observed: 63 variant alleles, 63 heterozygotes.
Comment: This study involves interpretation of variants in research participants for the purpose of population health screening. Participant phenotype was not available at the time of variant classification. Additional details can be found in publication PMID: 35346344, PMCID: PMC8962531

Myriad Genetics, Inc.
Classification: Benign for Familial adenomatous polyposis 1. Last evaluated: 2023-02-21. Review status: criteria provided, single submitter. Criteria: Myriad Autosomal Dominant, Autosomal Recessive and X-Linked Classification Criteria (2023). Collection method: clinical testing. Allele origin: unknown.
Comment: This variant is considered benign. This variant is a silent/synonymous amino acid change and it is not expected to impact splicing.

Quest Diagnostics Nichols Institute San Juan Capistrano
Classification: Benign. Last evaluated: 2022-10-19. Review status: criteria provided, single submitter. Criteria: Quest Diagnostics criteria. Collection method: clinical testing. Allele origin: unknown.

Sema4
Classification: Likely benign for Hereditary cancer-predisposing syndrome. Last evaluated: 2021-02-07. Review status: criteria provided, single submitter. Criteria: Sema4 Curation Guidelines. Collection method: curation. Allele origin: germline.

Ambry Genetics
Classification: Benign for Hereditary cancer-predisposing syndrome. Last evaluated: 2019-12-04. Review status: criteria provided, single submitter. Criteria: Ambry Variant Classification Scheme 2023. Collection method: clinical testing. Allele origin: germline.

Women's Health and Genetics/Laboratory Corporation of America, LabCorp
Classification: Benign. Last evaluated: 2018-11-16. Review status: criteria provided, single submitter. Criteria: LabCorp Variant Classification Summary - May 2015. Collection method: clinical testing. Allele origin: germline.
Comment: Variant summary: APC c.6669A>G results in a synonymous change. 5/5 computational tools predict no significant impact on normal splicing. However, these predictions have yet to be confirmed by functional studies. The variant allele was found at a frequency of 0.00013 in 276708 control chromosomes. The observed variant frequency is approximately 1.82 fold of the estimated maximal expected allele frequency for a pathogenic variant in APC causing Familial Adenomatous Polyposis phenotype (7.1e-05), strongly suggesting that the variant is benign. To our knowledge, no occurrence of c.6669A>G in individuals affected with Familial Adenomatous Polyposis and no experimental evidence demonstrating its impact on protein function have been reported. Three clinical diagnostic laboratories have submitted clinical-significance assessments for this variant to ClinVar after 2014 without evidence for independent evaluation. All laboratories classified the variant as benign/likely benign. Based on the evidence outlined above, the variant was classified as benign.

ARUP Laboratories, Molecular Genetics and Genomics, ARUP Laboratories
Classification: Likely benign. Last evaluated: 2018-10-23. Review status: criteria provided, single submitter. Criteria: ARUP Molecular Germline Variant Investigation Process. Collection method: clinical testing. Allele origin: germline.

Color Diagnostics, LLC DBA Color Health
Classification: Likely benign for Hereditary cancer-predisposing syndrome. Last evaluated: 2016-07-20. Review status: criteria provided, single submitter. Criteria: ACMG Guidelines, 2015. Collection method: clinical testing. Allele origin: germline.

GeneDx
Classification: Benign. Last evaluated: 2014-07-11. Review status: criteria provided, single submitter. Criteria: GeneDx Variant Classification (06012015). Collection method: clinical testing. Allele origin: germline. Affected: yes.
Comment: This variant is considered likely benign or benign based on one or more of the following criteria: it is a conservative change, it occurs at a poorly conserved position in the protein, it is predicted to be benign by multiple in silico algorithms, and/or has population frequency not consistent with disease.

Counsyl
Classification: Likely benign for Familial adenomatous polyposis 1. Last evaluated: 2015-12-18. Review status: no assertion criteria provided. Collection method: clinical testing. Allele origin: unknown. Not counted in ClinVar's aggregate classification.

NM_000038.6(APC):c.6669A>G (p.Ser2223=)

Gene: APC (APC regulator of Wnt signaling pathway; plus strand). Cytogenetic location: 5q22.2.
Variant type: single nucleotide variant.
Coding change: c.6669A>G on transcript NM_000038.6 (MANE Select); coding-DNA position 6669, A replaced by G.
Protein change: p.Ser2223=; no amino-acid change (serine 2223 retained).
Molecular consequence: synonymous variant.
Genome position (GRCh38, 1-based): chr5:112,842,263, A>G. VCF-style: chr5-112842263-A-G. GRCh37 (hg19) VCF-style: chr5-112177960-A-G.
Other names: p.S2223S:TCA>TCG; c.6669A>G, p.Ser2223= (NM_001127510.3, NM_001354895.2); c.6615A>G, p.Ser2205= (NM_001127511.3); c.6723A>G, p.Ser2241= (NM_001354896.2); c.6699A>G, p.Ser2233= (NM_001354897.2); c.6594A>G, p.Ser2198= (NM_001354898.2); c.6585A>G, p.Ser2195= (NM_001354899.2); c.6546A>G, p.Ser2182= (NM_001354900.2); and 6 more.
Identifiers: ClinVar variation 135714 (VCV000135714.103), dbSNP rs372680843, ClinGen allele CA012349.
Genomic context (GRCh38, chr5:112,842,263, plus strand): 5'-TCGATCTAATTCAGAAATTTCAGGCCAAATGAAACAGCCCCTTCAAGCAAACATGCCTTC[A>G]ATCTCTCGAGGCAGGACAATGATTCATATTCCAGGAGTTCGAAATAGCTCCTCAAGTACA-3'
Protein context (NP_000029.2, residues 2213-2233): MKQPLQANMP[Ser2223=]ISRGRTMIHI